The following is an entry in ClinVar:

NM_176787.5(PIGN):c.2191C>G (p.Leu731Val)

Gene: PIGN (phosphatidylinositol glycan anchor biosynthesis class N; minus strand). Cytogenetic location: 18q21.33.
Variant type: single nucleotide variant.
Coding change: c.2191C>G on transcript NM_176787.5 (MANE Select); coding-DNA position 2191, C replaced by G.
Protein change: p.Leu731Val; replaces leucine 731 with valine.
Molecular consequence: missense variant.
Genome position (GRCh38, 1-based): chr18:62,090,568, G>C on the plus strand (C>G on the coding strand, the complement: PIGN is on the minus strand). VCF-style: chr18-62090568-G-C. GRCh37 (hg19) VCF-style: chr18-59757801-G-C.
Other names: c.2191C>G, p.Leu731Val (NM_012327.6); short protein forms L731V.
Identifiers: ClinVar variation 472218 (VCV000472218.4), dbSNP rs754047821, ClinGen allele CA8982043.

ClinVar aggregate classification (germline): Uncertain significance (1 of 4 stars; one submission).

Conditions:
Multiple congenital anomalies-hypotonia-seizures syndrome 1 (MCAHS1). Also called: PIGN-CDG; Congenital disorder of glycosylation due to PIGN deficiency; GLYCOSYLPHOSPHATIDYLINOSITOL BIOSYNTHESIS DEFECT 3. Identifiers: Orphanet 280633, MedGen C3279775, MONDO:0013563, OMIM 614080.

Allele frequency attached by ClinVar (database versions not stated): gnomAD 0.00004; TOPMed 0.00003; ExAC 0.00001; gnomAD exomes below 0.00001.
gnomAD v4.1: 16 of 1,596,804 alleles (0.001%); highest among the groups gnomAD compares: African/African-American, 0.0094%; no homozygotes.

Submission:

Labcorp Genetics (formerly Invitae), Labcorp
Classification: Uncertain significance for Multiple congenital anomalies-hypotonia-seizures syndrome 1. Last evaluated: 2022-08-16. Review status: criteria provided, single submitter. Criteria: Invitae Variant Classification Sherloc (09022015). Collection method: clinical testing. Allele origin: germline.
Comment: This sequence change replaces leucine, which is neutral and non-polar, with valine, which is neutral and non-polar, at codon 731 of the PIGN protein (p.Leu731Val). This variant is present in population databases (rs754047821, gnomAD 0.004%). This variant has not been reported in the literature in individuals affected with PIGN-related conditions. ClinVar contains an entry for this variant (Variation ID: 472218). Algorithms developed to predict the effect of missense changes on protein structure and function output the following: SIFT: "Tolerated"; PolyPhen-2: "Possibly Damaging"; Align-GVGD: "Class C0". The valine amino acid residue is found in multiple mammalian species, which suggests that this missense change does not adversely affect protein function. In summary, the available evidence is currently insufficient to determine the role of this variant in disease. Therefore, it has been classified as a Variant of Uncertain Significance.